The following is an entry in ClinVar:

NM_024009.3(GJB3):c.298G>A (p.Glu100Lys)

Gene: GJB3 (gap junction protein beta 3; plus strand). Cytogenetic location: 1p34.3.
Variant type: single nucleotide variant.
Coding change: c.298G>A on transcript NM_024009.3 (MANE Select); coding-DNA position 298, G replaced by A.
Protein change: p.Glu100Lys; replaces glutamic acid 100 with lysine.
Molecular consequence: missense variant.
Genome position (GRCh38, 1-based): chr1:34,785,060, G>A. VCF-style: chr1-34785060-G-A. GRCh37 (hg19) VCF-style: chr1-35250661-G-A.
Other names: c.298G>A, p.Glu100Lys (NM_001005752.2); short protein forms E100K.
Identifiers: ClinVar variation 426999 (VCV000426999.2), dbSNP rs1028370381, ClinGen allele CA20571397.

ClinVar aggregate classification (germline): Likely pathogenic (1 of 4 stars; one submission).

Allele frequency attached by ClinVar (database versions not stated): gnomAD exomes below 0.00001; TOPMed below 0.00001.

Submission:

GeneDx
Classification: Likely pathogenic. Last evaluated: 2016-07-27. Review status: criteria provided, single submitter. Criteria: GeneDx Variant Classification (06012015). Collection method: clinical testing. Allele origin: germline. Affected: yes.
Comment: The E100K missense variant in the GJB3 gene has been reported previously in association with Erythrokeratodermia Variabilis (EKV) in an individual who was homozygous for the variant (Terrinoni et al., 2004). Heterozygous relatives were unaffected in that family. E100K was not observed in approximately 6,500 individuals of European and African American ancestry in the NHLBI Exome Sequencing Project, indicating it is not a common benign variant in these populations. E100K is a non-conservative amino acid substitution, which is likely to impact secondary protein structure as these residues differ in polarity, charge, size and/or other properties. This substitution occurs at a position that is conserved in mammals. In silico analysis is inconsistent in its predictions as to whether or not the variant is damaging to the protein structure/function. A missense variant in a nearby residue (R101Q) havs been reported in the Human Gene Mutation Database in association with EKV (Stenson et al., 2014). Therefore, we consider this variant to be likely pathogenic for autosomal recessive EKV.